The following is an entry in ClinVar:

NM_007103.4(NDUFV1):c.76G>A (p.Ala26Thr)

Gene: NDUFV1 (NADH:ubiquinone oxidoreductase core subunit V1; plus strand). Cytogenetic location: 11q13.2.
Variant type: single nucleotide variant.
Coding change: c.76G>A on transcript NM_007103.4 (MANE Select); coding-DNA position 76, G replaced by A.
Protein change: p.Ala26Thr; replaces alanine 26 with threonine.
Molecular consequence: missense variant.
Genome position (GRCh38, 1-based): chr11:67,608,399, G>A. VCF-style: chr11-67608399-G-A. GRCh37 (hg19) VCF-style: chr11-67375870-G-A.
Other names: c.49G>A, p.Ala17Thr (NM_001166102.2); short protein forms A17T, A26T.
Identifiers: ClinVar variation 2374298 (VCV002374298.5), dbSNP rs367804279, ClinGen allele CA6143074.
Genomic context (GRCh38, chr11:67,608,399, plus strand): 5'-GCCCAATCCCTCATGGCCCCAGAGCACTCTGGGCCTCCTGACCCTTTGTCTCCCTAGACA[G>A]CACCCAAGAAAACCTCATTTGGCTCGCTGAAGGATGAAGACCGGATTTTCACCAACCTGT-3'
Protein context (NP_009034.2, residues 16-36): VSVRFSGDTT[Ala26Thr]PKKTSFGSLK

ClinVar aggregate classification (germline): Uncertain significance. Review status: criteria provided, multiple submitters, no conflicts (2 of 4 stars). 2 submissions from 2 submitters: Uncertain significance (2). Last evaluated 2026-05-04.

Conditions:
Inborn genetic diseases. Identifiers: MedGen C0950123, MeSH D030342.

Allele frequency attached by ClinVar (database versions not stated): gnomAD exomes 0.00001; TOPMed 0.00011; ExAC 0.00004; gnomAD 0.00013; ESP Exome Variant Server 0.00015; 1000 Genomes Project 30x 0.00016; 1000 Genomes Project 0.00020.
gnomAD v4.1: 34 of 1,613,948 alleles (0.0021%); highest among the groups gnomAD compares: African/African-American, 0.04%; no homozygotes.

Submissions (2):

Women's Health and Genetics/Laboratory Corporation of America, LabCorp
Classification: Uncertain significance. Last evaluated: 2026-05-04. Review status: criteria provided, single submitter. Criteria: LabCorp Variant Classification Summary - May 2015. Collection method: clinical testing. Allele origin: germline.
Comment: Variant summary: NDUFV1 c.76G>A (p.Ala26Thr) results in a non-conservative amino acid change in the encoded protein sequence. Algorithms developed to predict the effect of missense changes on protein structure and function are either unavailable or do not agree on the potential impact of this missense change. The variant allele was found at a frequency of 3.6e-05 in 251492 control chromosomes. The available data on variant occurrences in the general population are insufficient to allow any conclusion about variant significance. To our knowledge, no occurrence of c.76G>A in individuals affected with NDUFV1-related conditions and no experimental evidence demonstrating its impact on protein function have been reported. ClinVar contains an entry for this variant (Variation ID: 2374298). Based on the evidence outlined above, the variant was classified as uncertain significance.

Ambry Genetics
Classification: Uncertain significance for Inborn genetic diseases. Last evaluated: 2021-12-14. Review status: criteria provided, single submitter. Criteria: Ambry Variant Classification Scheme 2023. Collection method: clinical testing. Allele origin: germline.